The following is an entry in ClinVar:

NM_000322.5(PRPH2):c.*174C>T

Gene: PRPH2 (peripherin 2; minus strand). Cytogenetic location: 6p21.1.
Variant type: single nucleotide variant.
Coding change: c.*174C>T on transcript NM_000322.5 (MANE Select); 174 bases downstream of the stop codon, C replaced by T.
Molecular consequence: 3 prime UTR variant.
Genome position (GRCh38, 1-based): chr6:42,698,121, G>A on the plus strand (C>T on the coding strand, the complement: PRPH2 is on the minus strand). VCF-style: chr6-42698121-G-A. GRCh37 (hg19) VCF-style: chr6-42665859-G-A.
Identifiers: ClinVar variation 356771 (VCV000356771.6), dbSNP rs73426412, ClinGen allele CA10622104.
Genomic context (GRCh38, chr6:42,698,121, plus strand): 5'-GGAGCTTCACTCACATTCACATTAGCTTCATTCACATTTTGGGTCAGTCATTCAACAACT[G>A]TGTGTCAAATGCTTTTAGGGACCCTAAACTTAAATTCCACCGTCAGGGAGAGTCTCTGTA-3'

ClinVar aggregate classification (germline): Benign. Review status: criteria provided, multiple submitters, no conflicts (2 of 4 stars). 7 submissions from 2 submitters: Benign (7). Last evaluated 2019-04-16.

Conditions:
Retinitis pigmentosa (RP). Identifiers: Orphanet 791, MedGen C0035334, MeSH D012174, MONDO:0019200, OMIM 268000. Inheritance: Autosomal dominant, autosomal recessive and X linked inheritance.
Choroidal dystrophy, central areolar 2 (CACD2). Also called: MACULAR DYSTROPHY, PROGRESSIVE; Choriodal Dystrophy, Central Areolar 2. Identifiers: Orphanet 75377, MedGen C2751290, MONDO:0013137, OMIM 613105.
Pigmentary retinal dystrophy. Also called: Fundus albipunctatus. Identifiers: Orphanet 227796, Orphanet 52427, MedGen C0311338, MONDO:0007639, OMIM 136880, HP:0030642.
Patterned macular dystrophy 1. Also called: BUTTERFLY DYSTROPHY OF RETINAL PIGMENT EPITHELIUM; MACULAR DYSTROPHY, BUTTERFLY-SHAPED PIGMENTARY. Identifiers: Orphanet 99001, MedGen C4551999, MONDO:0008210, OMIM 169150.
Cone-rod dystrophy. Also called: Cone-rod degeneration; Cone/cone-rod dystrophy. Identifiers: Orphanet 1872, MedGen C4085590, MONDO:0015993, HP:0000548.
Adult-onset foveomacular vitelliform dystrophy. Also called: FOVEOMACULAR DYSTROPHY, ADULT-ONSET; FOVEOMACULAR DYSTROPHY, ADULT-ONSET, WITH OR WITHOUT CHOROIDAL NEOVASCULARIZATION; Adult onset vitelliform dystrophy. Identifiers: Orphanet 99000, MedGen C1842914, MONDO:0011979.

Allele frequency attached by ClinVar (database versions not stated): gnomAD exomes 0.00264; gnomAD 0.02418 and 0.02603; 1000 Genomes Project 0.02476; 1000 Genomes Project 30x 0.02592; TOPMed 0.02605.
gnomAD v4.1: 5,520 of 831,710 alleles (0.66%); highest among the groups gnomAD compares: African/African-American, 8.5%; 193 homozygotes.

Submissions (7):

GeneDx
Classification: Benign. Last evaluated: 2019-04-16. Review status: criteria provided, single submitter. Criteria: GeneDx Variant Classification Process June 2021. Collection method: clinical testing. Allele origin: germline. Affected: yes.

Illumina Laboratory Services, Illumina
Classification: Benign for Retinitis pigmentosa. Last evaluated: 2018-01-12. Review status: criteria provided, single submitter. Criteria: ICSL Variant Classification Criteria 13 December 2019. Collection method: clinical testing. Allele origin: germline.
Comment: This variant was observed in the ICSL laboratory as part of a predisposition screen in an ostensibly healthy population. It had not been previously curated by ICSL or reported in the Human Gene Mutation Database (HGMD: prior to June 1st, 2018), and was therefore a candidate for classification through an automated scoring system. Utilizing variant allele frequency, disease prevalence and penetrance estimates, and inheritance mode, an automated score was calculated to assess if this variant is too frequent to cause the disease. Based on the score and internal cut-off values, a variant classified as benign is not then subjected to further curation. The score for this variant resulted in a classification of benign for this disease.

Illumina Laboratory Services, Illumina
Classification: Benign for Choroidal dystrophy, central areolar 2. Last evaluated: 2018-01-12. Review status: criteria provided, single submitter. Criteria: ICSL Variant Classification Criteria 13 December 2019. Collection method: clinical testing. Allele origin: germline.
Comment: the same text as in the submission from Illumina Laboratory Services, Illumina above.

Illumina Laboratory Services, Illumina
Classification: Benign for Cone-rod dystrophy. Last evaluated: 2018-01-12. Review status: criteria provided, single submitter. Criteria: ICSL Variant Classification Criteria 13 December 2019. Collection method: clinical testing. Allele origin: germline.
Comment: the same text as in the submission from Illumina Laboratory Services, Illumina above.

Illumina Laboratory Services, Illumina
Classification: Benign for Patterned macular dystrophy 1. Last evaluated: 2018-01-12. Review status: criteria provided, single submitter. Criteria: ICSL Variant Classification Criteria 13 December 2019. Collection method: clinical testing. Allele origin: germline.
Comment: the same text as in the submission from Illumina Laboratory Services, Illumina above.

Illumina Laboratory Services, Illumina
Classification: Benign for Vitelliform macular dystrophy 3. Last evaluated: 2018-01-12. Review status: criteria provided, single submitter. Criteria: ICSL Variant Classification Criteria 13 December 2019. Collection method: clinical testing. Allele origin: germline.
Comment: the same text as in the submission from Illumina Laboratory Services, Illumina above.

Illumina Laboratory Services, Illumina
Classification: Benign for Pigmentary retinal dystrophy. Last evaluated: 2018-01-12. Review status: criteria provided, single submitter. Criteria: ICSL Variant Classification Criteria 13 December 2019. Collection method: clinical testing. Allele origin: germline.
Comment: the same text as in the submission from Illumina Laboratory Services, Illumina above.